The following is an entry in ClinVar:

NM_001130009.3(GEN1):c.135G>C (p.Met45Ile)

Gene: GEN1 (GEN1 structure-specific endonuclease; plus strand). Cytogenetic location: 2p24.2.
Variant type: single nucleotide variant.
Coding change: c.135G>C on transcript NM_001130009.3 (MANE Select); coding-DNA position 135, G replaced by C.
Protein change: p.Met45Ile; replaces methionine 45 with isoleucine.
Molecular consequence: missense variant.
Genome position (GRCh38, 1-based): chr2:17,760,078, G>C. VCF-style: chr2-17760078-G-C. GRCh37 (hg19) VCF-style: chr2-17941345-G-C.
Other names: c.135G>C, p.Met45Ile (NM_182625.5); c.135G>C (NM_001130009.1); short protein forms M45I.
Identifiers: ClinVar variation 2171814 (VCV002171814.5), dbSNP rs759922532, ClinGen allele CA345905939.

ClinVar aggregate classification (germline): Conflicting classifications of pathogenicity. Review status: criteria provided, conflicting classifications (1 of 4 stars). 2 submissions from 2 submitters: Uncertain significance (1); Likely benign (1). Last evaluated 2025-01-15.

gnomAD v4.1: 51 of 1,613,540 alleles (0.0032%); highest among the groups gnomAD compares: Non-Finnish European, 0.0042%; no homozygotes.

Submissions (2):

Ambry Genetics
Classification: Likely benign. Last evaluated: 2025-01-15. Review status: criteria provided, single submitter. Criteria: Ambry Variant Classification Scheme 2023. Collection method: clinical testing. Allele origin: germline.

Labcorp Genetics (formerly Invitae), Labcorp
Classification: Uncertain significance. Last evaluated: 2023-12-27. Review status: criteria provided, single submitter. Criteria: Invitae Variant Classification Sherloc (09022015). Collection method: clinical testing. Allele origin: germline.
Comment: This sequence change replaces methionine, which is neutral and non-polar, with isoleucine, which is neutral and non-polar, at codon 45 of the GEN1 protein (p.Met45Ile). This variant is present in population databases (no rsID available, gnomAD 0.01%). This variant has not been reported in the literature in individuals affected with GEN1-related conditions. ClinVar contains an entry for this variant (Variation ID: 2171814). Algorithms developed to predict the effect of missense changes on protein structure and function output the following: SIFT: "Not Available"; PolyPhen-2: "Benign"; Align-GVGD: "Not Available". The isoleucine amino acid residue is found in multiple mammalian species, which suggests that this missense change does not adversely affect protein function. In summary, the available evidence is currently insufficient to determine the role of this variant in disease. Therefore, it has been classified as a Variant of Uncertain Significance.